The following is an entry in ClinVar:

NM_005876.5(SPEG):c.7711T>A (p.Leu2571Met)

Genes: ASIC4-AS1 (ASIC4 antisense RNA 1; minus strand), SPEG (striated muscle enriched protein kinase; plus strand). Cytogenetic location: 2q35.
Variant type: single nucleotide variant.
Coding change: c.7711T>A on transcript NM_005876.5 (MANE Select); coding-DNA position 7711, T replaced by A.
Protein change: p.Leu2571Met; replaces leucine 2571 with methionine.
Molecular consequence: missense variant.
Genome position (GRCh38, 1-based): chr2:219,485,447, T>A. VCF-style: chr2-219485447-T-A. GRCh37 (hg19) VCF-style: chr2-220350169-T-A.
Other names: c.7711T>A (NM_005876.4); short protein forms L2571M.
Identifiers: ClinVar variation 1348332 (VCV001348332.5), dbSNP rs56006044, ClinGen allele CA2127259.

ClinVar aggregate classification (germline): Uncertain significance. Review status: criteria provided, multiple submitters, no conflicts (2 of 4 stars). 2 submissions from 2 submitters: Uncertain significance (2). Last evaluated 2025-10-06.

Conditions:
Inborn genetic diseases. Identifiers: MedGen C0950123, MeSH D030342.

Allele frequency attached by ClinVar (database versions not stated): gnomAD exomes 0.00004; TOPMed 0.00005; gnomAD 0.00005.
gnomAD v4.1: 148 of 1,598,466 alleles (0.0093%); highest among the groups gnomAD compares: Non-Finnish European, 0.012%; no homozygotes.

Submissions (2):

Ambry Genetics
Classification: Uncertain significance for Inborn genetic diseases. Last evaluated: 2025-10-06. Review status: criteria provided, single submitter. Criteria: Ambry Variant Classification Scheme 2023. Collection method: clinical testing. Allele origin: germline.

Labcorp Genetics (formerly Invitae), Labcorp
Classification: Uncertain significance. Last evaluated: 2022-09-13. Review status: criteria provided, single submitter. Criteria: Invitae Variant Classification Sherloc (09022015). Collection method: clinical testing. Allele origin: germline.
Comment: This sequence change replaces leucine, which is neutral and non-polar, with methionine, which is neutral and non-polar, at codon 2571 of the SPEG protein (p.Leu2571Met). This variant is present in population databases (rs56006044, gnomAD 0.006%). This variant has not been reported in the literature in individuals affected with SPEG-related conditions. ClinVar contains an entry for this variant (Variation ID: 1348332). Algorithms developed to predict the effect of missense changes on protein structure and function are either unavailable or do not agree on the potential impact of this missense change (SIFT: "Deleterious"; PolyPhen-2: "Possibly Damaging"; Align-GVGD: "Class C0"). In summary, the available evidence is currently insufficient to determine the role of this variant in disease. Therefore, it has been classified as a Variant of Uncertain Significance.